The following is an entry in ClinVar:

ClinVar aggregate classification (germline): Uncertain significance (1 of 4 stars; one submission).

Allele frequency attached by ClinVar (database versions not stated): gnomAD exomes below 0.00001; ExAC 0.00001; TOPMed 0.00001.
gnomAD v4.1: 2 of 1,614,190 alleles (0.00012%); highest among the groups gnomAD compares: Non-Finnish European, 0.00017%; no homozygotes.

Submission:

Labcorp Genetics (formerly Invitae), Labcorp
Classification: Uncertain significance. Last evaluated: 2024-02-12. Review status: criteria provided, single submitter. Criteria: Invitae Variant Classification Sherloc (09022015). Collection method: clinical testing. Allele origin: germline.
Comment: This sequence change replaces proline, which is neutral and non-polar, with serine, which is neutral and polar, at codon 90 of the MERTK protein (p.Pro90Ser). This variant is present in population databases (rs767490861, gnomAD 0.0009%). This variant has not been reported in the literature in individuals affected with MERTK-related conditions. ClinVar contains an entry for this variant (Variation ID: 1502366). Algorithms developed to predict the effect of missense changes on protein structure and function output the following: SIFT: "Not Available"; PolyPhen-2: "Benign"; Align-GVGD: "Not Available". The serine amino acid residue is found in multiple mammalian species, which suggests that this missense change does not adversely affect protein function. In summary, the available evidence is currently insufficient to determine the role of this variant in disease. Therefore, it has been classified as a Variant of Uncertain Significance.

NM_006343.3(MERTK):c.268C>T (p.Pro90Ser)

Gene: MERTK (MER proto-oncogene, tyrosine kinase; plus strand). Cytogenetic location: 2q13.
Variant type: single nucleotide variant.
Coding change: c.268C>T on transcript NM_006343.3 (MANE Select); coding-DNA position 268, C replaced by T.
Protein change: p.Pro90Ser; replaces proline 90 with serine.
Molecular consequence: missense variant.
Genome position (GRCh38, 1-based): chr2:111,929,326, C>T. VCF-style: chr2-111929326-C-T. GRCh37 (hg19) VCF-style: chr2-112686903-C-T.
Other names: short protein forms P90S.
Identifiers: ClinVar variation 1502366 (VCV001502366.8), dbSNP rs767490861, ClinGen allele CA1831008.